The following is an entry in ClinVar:

ClinVar aggregate classification (germline): Uncertain significance (1 of 4 stars; one submission).

Allele frequency attached by ClinVar (database versions not stated): TOPMed below 0.00001; gnomAD 0.00001.
gnomAD v4.1: 4 of 1,613,866 alleles (0.00025%); highest among the groups gnomAD compares: Admixed American, 0.0067%; no homozygotes.

Submission:

Labcorp Genetics (formerly Invitae), Labcorp
Classification: Uncertain significance. Last evaluated: 2024-11-05. Review status: criteria provided, single submitter. Criteria: Invitae Variant Classification Sherloc (09022015). Collection method: clinical testing. Allele origin: germline.
Comment: This sequence change replaces alanine, which is neutral and non-polar, with proline, which is neutral and non-polar, at codon 432 of the LPIN1 protein (p.Ala432Pro). This variant is present in population databases (no rsID available, gnomAD 0.009%). This variant has not been reported in the literature in individuals affected with LPIN1-related conditions. ClinVar contains an entry for this variant (Variation ID: 1988094). Invitae Evidence Modeling of protein sequence and biophysical properties (such as structural, functional, and spatial information, amino acid conservation, physicochemical variation, residue mobility, and thermodynamic stability) indicates that this missense variant is not expected to disrupt LPIN1 protein function with a negative predictive value of 80%. In summary, the available evidence is currently insufficient to determine the role of this variant in disease. Therefore, it has been classified as a Variant of Uncertain Significance.

NM_001349206.2(LPIN1):c.1402G>C (p.Ala468Pro)

Genes: LPIN1 (lipin 1; plus strand), LOC122756382 (Sharpr-MPRA regulatory region 7856; plus strand). Cytogenetic location: 2p25.1.
Variant type: single nucleotide variant.
Coding change: c.1402G>C on transcript NM_001349206.2 (MANE Select); coding-DNA position 1402, G replaced by C.
Protein change: p.Ala468Pro; replaces alanine 468 with proline.
Molecular consequence: missense variant. On other transcripts: non-coding transcript variant (1).
Genome position (GRCh38, 1-based): chr2:11,784,929, G>C. VCF-style: chr2-11784929-G-C. GRCh37 (hg19) VCF-style: chr2-11925055-G-C.
Other names: c.1312G>C, p.Ala438Pro (NM_001261427.3); c.1549G>C, p.Ala517Pro (NM_001261428.3); c.1294G>C, p.Ala432Pro (NM_001349199.2, NM_001349200.2, NM_001349201.2 and 1 more transcripts); c.1399G>C, p.Ala467Pro (NM_001349202.2, NM_001349203.2); c.1402G>C, p.Ala468Pro (NM_001349204.2, NM_001349205.2); c.1492G>C, p.Ala498Pro (NM_001349207.2); c.1441G>C, p.Ala481Pro (NM_001349208.2); short protein forms A432P, A481P, A498P, A468P, A438P, A517P, A467P.
Identifiers: ClinVar variation 1988094 (VCV001988094.2), dbSNP rs866027062, ClinGen allele CA345857423.
Genomic context (GRCh38, chr2:11,784,929, plus strand): 5'-GCTTTTCCTCCTTCCAGCGGAGATCCTTCCGGACTCGCAAAACATGCAAGCGACAACGGA[G>C]CCCGGTCAGCCAACCAGTCCCCGCAGTCGGTGGGCAGCTCGGGCGTGGACAGTGGCGTGG-3'
Protein context (NP_001336135.1, residues 458-478): GLAKHASDNG[Ala468Pro]RSANQSPQSV